The following is an entry in ClinVar:

ClinVar aggregate classification (germline): Uncertain significance (1 of 4 stars; one submission).

Conditions:
Ehlers-Danlos syndrome, classic type, 1 (EDSCL1). Also called: EHLERS-DANLOS SYNDROME, GRAVIS TYPE; EHLERS-DANLOS SYNDROME, SEVERE CLASSIC TYPE; Ehlers-Danlos syndrome, type 1; Ehlers-Danlos Syndrome, Classic Type, COL5A1-Related; EDS I. Identifiers: MedGen C0268335, MONDO:0019567, OMIM 130000.
Osteogenesis imperfecta type I (OI1). Also called: OI, TYPE I; OSTEOGENESIS IMPERFECTA TARDA; OSTEOGENESIS IMPERFECTA WITH BLUE SCLERAE; Osteogenesis imperfecta type 1; Lobstein's Disease; Lobstein disease. Identifiers: Orphanet 216796, Orphanet 666, MedGen C0023931, MONDO:0008146, OMIM 166200. Disease mechanism: loss of function.

gnomAD v4.1: 1 of 1,551,174 alleles (0.000064%); no homozygotes.

Submission:

Labcorp Genetics (formerly Invitae), Labcorp
Classification: Uncertain significance for Osteogenesis imperfecta type I; Ehlers-Danlos syndrome, classic type, 1. Last evaluated: 2025-12-29. Review status: criteria provided, single submitter. Criteria: Invitae Variant Classification Sherloc (09022015). Collection method: clinical testing. Allele origin: germline.
Comment: This sequence change replaces serine, which is neutral and polar, with threonine, which is neutral and polar, at codon 375 of the COL1A2 protein (p.Ser375Thr). This variant is not present in population databases (gnomAD no frequency). This missense change has been observed in individual(s) with clinical features of COL1A2-related conditions (PMID: 37079061). Invitae Evidence Modeling of protein sequence and biophysical properties (such as structural, functional, and spatial information, amino acid conservation, physicochemical variation, residue mobility, and thermodynamic stability) indicates that this missense variant is not expected to disrupt COL1A2 protein function with a negative predictive value of 95%. In summary, the available evidence is currently insufficient to determine the role of this variant in disease. Therefore, it has been classified as a Variant of Uncertain Significance.

Literature cited by the submitters: PubMed 37079061.

NM_000089.4(COL1A2):c.1124G>C (p.Ser375Thr)

Gene: COL1A2 (collagen type I alpha 2 chain; plus strand). Cytogenetic location: 7q21.3.
Variant type: single nucleotide variant.
Coding change: c.1124G>C on transcript NM_000089.4 (MANE Select); coding-DNA position 1124, G replaced by C.
Protein change: p.Ser375Thr; replaces serine 375 with threonine.
Molecular consequence: missense variant.
Genome position (GRCh38, 1-based): chr7:94,410,454, G>C. VCF-style: chr7-94410454-G-C. GRCh37 (hg19) VCF-style: chr7-94039766-G-C.
Other names: short protein forms S375T.
Identifiers: ClinVar variation 4783278 (VCV004783278.1).